The following is an entry in ClinVar:

ClinVar aggregate classification (germline): Uncertain significance (1 of 4 stars; one submission).

Submission:

GeneDx
Classification: Uncertain significance. Last evaluated: 2023-03-26. Review status: criteria provided, single submitter. Criteria: GeneDx Variant Classification Process June 2021. Collection method: clinical testing. Allele origin: germline. Affected: yes.
Comment: Not observed at significant frequency in large population cohorts (gnomAD); In silico analysis supports that this missense variant has a deleterious effect on protein structure/function; Has not been previously published as pathogenic or benign to our knowledge

NM_153252.5(BRWD3):c.2861A>G (p.Glu954Gly)

Gene: BRWD3 (bromodomain and WD repeat domain containing 3; minus strand). Cytogenetic location: Xq21.1.
Variant type: single nucleotide variant.
Coding change: c.2861A>G on transcript NM_153252.5 (MANE Select); coding-DNA position 2861, A replaced by G.
Protein change: p.Glu954Gly; replaces glutamic acid 954 with glycine.
Molecular consequence: missense variant.
Genome position (GRCh38, 1-based): chrX:80,700,039, T>C on the plus strand (A>G on the coding strand, the complement: BRWD3 is on the minus strand). VCF-style: chrX-80700039-T-C. GRCh37 (hg19) VCF-style: chrX-79955538-T-C.
Other names: short protein forms E954G.
Identifiers: ClinVar variation 2582024 (VCV002582024.1), dbSNP rs2520258934, ClinGen allele CA413624239.